The following is an entry in ClinVar:

ClinVar aggregate classification (germline): Uncertain significance (1 of 4 stars; one submission).

Submission:

GeneDx
Classification: Uncertain significance. Last evaluated: 2022-09-29. Review status: criteria provided, single submitter. Criteria: GeneDx Variant Classification Process June 2021. Collection method: clinical testing. Allele origin: germline. Affected: yes.
Comment: Not observed at significant frequency in large population cohorts (gnomAD); In silico analysis suggests this variant may impact gene splicing. In the absence of RNA/functional studies, the actual effect of this sequence change is unknown.; Has not been previously published as pathogenic or benign to our knowledge; Variants in candidate genes are classified as variants of uncertain significance in accordance with ACMG guidelines (Richards et al., 2015)

NM_001082486.2(ACD):c.336G>A (p.Ala112=)

Gene: ACD (ACD shelterin complex subunit and telomerase recruitment factor; minus strand). Cytogenetic location: 16q22.1.
Variant type: single nucleotide variant.
Coding change: c.336G>A on transcript NM_001082486.2 (MANE Select); coding-DNA position 336, G replaced by A.
Protein change: p.Ala112=; no amino-acid change (alanine 112 retained).
Molecular consequence: synonymous variant.
Genome position (GRCh38, 1-based): chr16:67,659,702, C>T on the plus strand (G>A on the coding strand, the complement: ACD is on the minus strand). VCF-style: chr16-67659702-C-T. GRCh37 (hg19) VCF-style: chr16-67693605-C-T.
Other names: c.336G>A, p.Ala112= (NM_001410884.1); c.327G>A, p.Ala109= (NM_022914.3).
Identifiers: ClinVar variation 3342653 (VCV003342653.1).
Genomic context (GRCh38, chr16:67,659,702, plus strand): 5'-CTCAGAATCGTCACGAAGAGTCATGCCCGGTAACCCGCCCAAGGCAGTCTCACCACTCAC[C>T]GCGCCGCCCTCAGCGACCTGGACATGAACCCCGCAGTCCTGCAGCAGCAGCAGCCGGCCC-3'
Protein context (NP_001075955.2, residues 102-122): GVHVQVAEGG[Ala112=]PAEFYLQVDR